The following is an entry in ClinVar:

NM_003322.6(TULP1):c.1154_1169del (p.Gly385fs)

Gene: TULP1 (TUB like protein 1; minus strand). Cytogenetic location: 6p21.31.
Variant type: Deletion.
Coding change: c.1154_1169del on transcript NM_003322.6 (MANE Select); coding-DNA positions 1154 to 1169, 16 bases deleted (GGCAGAACCCACAGCG).
Protein change: p.Gly385fs; shifts the reading frame from glycine 385.
Molecular consequence: frameshift variant.
Genome position (GRCh38, 1-based): chr6:35,503,792-35,503,807, CGCTGTGGGTTCTGCC deleted on the plus strand (GGCAGAACCCACAGCG on the coding strand, the reverse complement: TULP1 is on the minus strand); deleting any 16 consecutive bases within chr6:35,503,792-35,503,809 gives the same sequence; the c. name uses the placement nearest the transcript's 3' end. VCF-style (leftmost placement, unchanged base first): chr6-35503791-ACGCTGTGGGTTCTGCC-A. GRCh37 (hg19) VCF-style: chr6-35471568-ACGCTGTGGGTTCTGCC-A.
Other names: c.995_1010del, p.Gly332fs (NM_001289395.2); short protein forms G332fs, G385fs.
Identifiers: ClinVar variation 5002875 (VCV005002875.1).

ClinVar aggregate classification (germline): Likely pathogenic (1 of 4 stars; one submission).

Conditions:
Retinitis pigmentosa 14 (RP14). Also called: RETINITIS PIGMENTOSA, JUVENILE, TULP1-RELATED. Identifiers: Orphanet 791, MedGen C1838603, MONDO:0010827, OMIM 600132.

Submission:

OLLIN Analises Genomicas, OLLIN
Classification: Likely pathogenic for Retinitis pigmentosa 14. Last evaluated: 2026-08-06. Review status: criteria provided, single submitter. Criteria: ACMG Guidelines 2015 PMID 25741868. Collection method: clinical testing. Allele origin: germline. Inheritance: Autosomal recessive inheritance.
Comment: This frameshift variant, located in exon 12 (of 15), is absent from gnomAD and ClinVar and has not been identified in the literature. This variant causes a frameshift and introduces a premature stop codon, which is predicted to result in either a truncated protein or degradation of the mRNA via nonsense-mediated decay (NMD). According to the currently available evidence, this variant has been classified as likely pathogenic (PVS1, PM2_P).